The following is an entry in ClinVar:

NM_130837.3(OPA1):c.2438A>G (p.Asp813Gly)

Gene: OPA1 (OPA1 mitochondrial dynamin like GTPase; plus strand). Cytogenetic location: 3q29.
Variant type: single nucleotide variant.
Coding change: c.2438A>G on transcript NM_130837.3 (MANE Select); coding-DNA position 2438, A replaced by G.
Protein change: p.Asp813Gly; replaces aspartic acid 813 with glycine.
Molecular consequence: missense variant.
Genome position (GRCh38, 1-based): chr3:193,658,993, A>G. VCF-style: chr3-193658993-A-G. GRCh37 (hg19) VCF-style: chr3-193376782-A-G.
Other names: c.2330A>G, p.Asp777Gly (NM_130835.3); c.2384A>G, p.Asp795Gly (NM_130836.3); c.1904A>G, p.Asp635Gly (NM_001354663.2); c.1901A>G, p.Asp634Gly (NM_001354664.2); c.2273A>G, p.Asp758Gly (NM_015560.3); c.2165A>G, p.Asp722Gly (NM_130831.3); c.2219A>G, p.Asp740Gly (NM_130832.3); c.2276A>G, p.Asp759Gly (NM_130833.3); and 1 more; short protein forms D634G, D635G, D722G, D740G, D758G, D759G, D776G, D777G.
Identifiers: ClinVar variation 1715162 (VCV001715162.5), dbSNP rs2475079348, ClinGen allele CA355792095.

ClinVar aggregate classification (germline): Uncertain significance (1 of 4 stars; one submission).

Submission:

Labcorp Genetics (formerly Invitae), Labcorp
Classification: Uncertain significance. Last evaluated: 2022-08-05. Review status: criteria provided, single submitter. Criteria: Invitae Variant Classification Sherloc (09022015). Collection method: clinical testing. Allele origin: germline.
Comment: This sequence change replaces aspartic acid, which is acidic and polar, with glycine, which is neutral and non-polar, at codon 758 of the OPA1 protein (p.Asp758Gly). This variant is not present in population databases (gnomAD no frequency). In summary, the available evidence is currently insufficient to determine the role of this variant in disease. Therefore, it has been classified as a Variant of Uncertain Significance. This variant has not been reported in the literature in individuals affected with OPA1-related conditions. Algorithms developed to predict the effect of missense changes on protein structure and function (SIFT, PolyPhen-2, Align-GVGD) all suggest that this variant is likely to be tolerated. Algorithms developed to predict the effect of sequence changes on RNA splicing suggest that this variant may create or strengthen a splice site.